The following is an entry in ClinVar:

NM_004656.4(BAP1):c.1168C>A (p.Pro390Thr)

Gene: BAP1 (BRCA1 associated deubiquitinase 1; minus strand). Cytogenetic location: 3p21.1.
Variant type: single nucleotide variant.
Coding change: c.1168C>A on transcript NM_004656.4 (MANE Select); coding-DNA position 1168, C replaced by A.
Protein change: p.Pro390Thr; replaces proline 390 with threonine.
Molecular consequence: missense variant.
Genome position (GRCh38, 1-based): chr3:52,404,535, G>T on the plus strand (C>A on the coding strand, the complement: BAP1 is on the minus strand). VCF-style: chr3-52404535-G-T. GRCh37 (hg19) VCF-style: chr3-52438551-G-T.
Other names: short protein forms P390T.
Identifiers: ClinVar variation 490775 (VCV000490775.15), dbSNP rs1425178905, ClinGen allele CA353103243.

ClinVar aggregate classification (germline): Conflicting classifications of pathogenicity. Review status: criteria provided, conflicting classifications (1 of 4 stars). 5 submissions from 5 submitters: Uncertain significance (4); Benign (1). Last evaluated 2025-10-30.

Conditions:
Hereditary cancer-predisposing syndrome. Also called: Hereditary Cancer Syndrome; Neoplastic Syndromes, Hereditary; Tumor predisposition; Hereditary neoplastic syndrome. Identifiers: Orphanet 140162, MedGen C0027672, MeSH D009386, MONDO:0015356.
BAP1-related tumor predisposition syndrome (TPDS1). Also called: Tumor susceptibility linked to germline BAP1 mutations; BAP1 tumor predisposition syndrome; COMMON Syndrome; TUMOR PREDISPOSITION SYNDROME 1. Identifiers: Orphanet 289539, MedGen C3280492, MONDO:0013692, OMIM 614327.

Allele frequency attached by ClinVar (database versions not stated): gnomAD exomes below 0.00001.
gnomAD v4.1: 1 of 1,614,072 alleles (0.000062%); highest among the groups gnomAD compares: East Asian, 0.0022%; no homozygotes.

Submissions (5):

Labcorp Genetics (formerly Invitae), Labcorp
Classification: Uncertain significance for BAP1-related tumor predisposition syndrome. Last evaluated: 2025-10-30. Review status: criteria provided, single submitter. Criteria: Invitae Variant Classification Sherloc (09022015). Collection method: clinical testing. Allele origin: germline.
Comment: This sequence change replaces proline, which is neutral and non-polar, with threonine, which is neutral and polar, at codon 390 of the BAP1 protein (p.Pro390Thr). This variant is present in population databases (no rsID available, gnomAD 0.006%). This variant has not been reported in the literature in individuals affected with BAP1-related conditions. ClinVar contains an entry for this variant (Variation ID: 490775). Invitae Evidence Modeling of protein sequence and biophysical properties (such as structural, functional, and spatial information, amino acid conservation, physicochemical variation, residue mobility, and thermodynamic stability) indicates that this missense variant is not expected to disrupt BAP1 protein function with a negative predictive value of 80%. In summary, the available evidence is currently insufficient to determine the role of this variant in disease. Therefore, it has been classified as a Variant of Uncertain Significance.

Ambry Genetics
Classification: Benign for Hereditary cancer-predisposing syndrome. Last evaluated: 2025-05-14. Review status: criteria provided, single submitter. Criteria: Ambry Variant Classification Scheme 2023. Collection method: clinical testing. Allele origin: germline.

Baylor Genetics
Classification: Uncertain significance for BAP1-related tumor predisposition syndrome. Last evaluated: 2024-03-20. Review status: criteria provided, single submitter. Criteria: ACMG Guidelines, 2015. Collection method: clinical testing. Allele origin: unknown.

GeneDx
Classification: Uncertain significance. Last evaluated: 2020-12-10. Review status: criteria provided, single submitter. Criteria: GeneDx Variant Classification Process June 2021. Collection method: clinical testing. Allele origin: germline. Affected: yes.
Comment: Not observed at a significant frequency in large population cohorts (Lek et al., 2016); In silico analysis supports that this missense variant does not alter protein structure/function; Has not been previously published as pathogenic or benign to our knowledge

Color Diagnostics, LLC DBA Color Health
Classification: Uncertain significance for Hereditary cancer-predisposing syndrome. Last evaluated: 2019-03-17. Review status: criteria provided, single submitter. Criteria: ACMG Guidelines, 2015. Collection method: clinical testing. Allele origin: germline.

Literature cited by the submitters: PubMed 38969833 (cited by Ambry Genetics).